The following is an entry in ClinVar:

ClinVar aggregate classification (germline): Uncertain significance (1 of 4 stars; one submission).

Conditions:
Hereditary cancer-predisposing syndrome. Also called: Tumor predisposition; Hereditary neoplastic syndrome; Hereditary Cancer Syndrome; Neoplastic Syndromes, Hereditary. Identifiers: Orphanet 140162, MedGen C0027672, MeSH D009386, MONDO:0015356.

Submission:

Ambry Genetics
Classification: Uncertain significance for Hereditary cancer-predisposing syndrome. Last evaluated: 2025-05-18. Review status: criteria provided, single submitter. Criteria: Ambry Variant Classification Scheme 2023. Collection method: clinical testing. Allele origin: germline.
Comment: The p.L385F variant (also known as c.1153C>T), located in coding exon 6 of the SMARCA4 gene, results from a C to T substitution at nucleotide position 1153. The leucine at codon 385 is replaced by phenylalanine, an amino acid with highly similar properties. This amino acid position is conserved. In addition, the in silico prediction for this alteration is inconclusive. Based on the available evidence, the clinical significance of this variant remains unclear.

NM_003072.5(SMARCA4):c.1153C>T (p.Leu385Phe)

Gene: SMARCA4 (SWI/SNF related BAF chromatin remodeling complex subunit ATPase 4; plus strand). Cytogenetic location: 19p13.2.
Variant type: single nucleotide variant.
Coding change: c.1153C>T on transcript NM_003072.5 (MANE Select); coding-DNA position 1153, C replaced by T.
Protein change: p.Leu385Phe; replaces leucine 385 with phenylalanine.
Molecular consequence: missense variant. On other transcripts: non-coding transcript variant (1).
Genome position (GRCh38, 1-based): chr19:10,989,351, C>T. VCF-style: chr19-10989351-C-T. GRCh37 (hg19) VCF-style: chr19-11100027-C-T.
Other names: c.1153C>T, p.Leu385Phe (NM_001128844.3, NM_001128845.2, NM_001128846.2 and 6 more transcripts); short protein forms L385F.
Identifiers: ClinVar variation 3958470 (VCV003958470.1).
Genomic context (GRCh38, chr19:10,989,351, plus strand): 5'-CCTTTGCTCCTTGTCTCTGCTCCCAGGCTGCAGGCTCGCATCGCACACCGAATTCAGGAA[C>T]TTGAAAACCTTCCCGGGTCCCTGGCCGGGGATTTGCGAACCAAAGCGACCATTGAGCTCA-3'
Protein context (NP_003063.2, residues 375-395): QARIAHRIQE[Leu385Phe]ENLPGSLAGD